The following is an entry in ClinVar:

ClinVar aggregate classification (germline): Benign/Likely benign. Review status: criteria provided, multiple submitters, no conflicts (2 of 4 stars). 5 submissions from 5 submitters: Benign (3); Likely benign (1). 1 of the submissions does not count toward it. Last evaluated 2026-01-15.

Conditions:
HUWE1-related disorder. Also called: HUWE1-related condition.
Inborn genetic diseases. Identifiers: MedGen C0950123, MeSH D030342.

Allele frequency attached by ClinVar (database versions not stated): ExAC 0.00014; gnomAD 0.00025 and 0.00030; gnomAD exomes 0.00025 and 0.00035; TOPMed 0.00029; ESP Exome Variant Server 0.00038.
gnomAD v4.1: 402 of 1,195,504 alleles (0.034%); highest among the groups gnomAD compares: Middle Eastern, 0.07%; 1 homozygote.

Submissions (5):

Labcorp Genetics (formerly Invitae), Labcorp
Classification: Benign. Last evaluated: 2026-01-15. Review status: criteria provided, single submitter. Criteria: Invitae Variant Classification Sherloc (09022015). Collection method: clinical testing. Allele origin: germline.

Blueprint Genetics
Classification: Likely benign. Last evaluated: 2024-03-08. Review status: criteria provided, single submitter. Criteria: ACMG Guidelines, 2015. Collection method: clinical testing. Allele origin: germline.

GeneDx
Classification: Benign. Last evaluated: 2020-03-02. Review status: criteria provided, single submitter. Criteria: GeneDx Variant Classification Process June 2021. Collection method: clinical testing. Allele origin: germline. Affected: yes.

Ambry Genetics
Classification: Benign for Inborn genetic diseases. Last evaluated: 2017-01-23. Review status: criteria provided, single submitter. Criteria: Ambry Variant Classification Scheme 2023. Collection method: clinical testing. Allele origin: germline.

PreventionGenetics, part of Exact Sciences
Classification: Likely benign for HUWE1-related condition. Last evaluated: 2022-09-21. Review status: no assertion criteria provided. Collection method: clinical testing. Allele origin: germline. Not counted in ClinVar's aggregate classification.
Comment: This variant is classified as likely benign based on ACMG/AMP sequence variant interpretation guidelines (Richards et al. 2015 PMID: 25741868, with internal and published modifications).

NM_031407.7(HUWE1):c.11403G>A (p.Ala3801=)

Gene: HUWE1 (HECT, UBA and WWE domain containing E3 ubiquitin protein ligase 1; minus strand). Cytogenetic location: Xp11.22.
Variant type: single nucleotide variant.
Coding change: c.11403G>A on transcript NM_031407.7 (MANE Select); coding-DNA position 11403, G replaced by A.
Protein change: p.Ala3801=; no amino-acid change (alanine 3801 retained).
Molecular consequence: synonymous variant.
Genome position (GRCh38, 1-based): chrX:53,542,516, C>T on the plus strand (G>A on the coding strand, the complement: HUWE1 is on the minus strand). VCF-style: chrX-53542516-C-T. GRCh37 (hg19) VCF-style: chrX-53569477-C-T.
Identifiers: ClinVar variation 588722 (VCV000588722.18), dbSNP rs373456806, ClinGen allele CA10421384.